The following is an entry in ClinVar:

NM_001378454.1(ALMS1):c.2281T>G (p.Ser761Ala)

Gene: ALMS1 (ALMS1 centrosome and basal body associated protein; plus strand). Cytogenetic location: 2p13.1.
Variant type: single nucleotide variant.
Coding change: c.2281T>G on transcript NM_001378454.1 (MANE Select); coding-DNA position 2281, T replaced by G.
Protein change: p.Ser761Ala; replaces serine 761 with alanine.
Molecular consequence: missense variant.
Genome position (GRCh38, 1-based): chr2:73,448,808, T>G. VCF-style: chr2-73448808-T-G. GRCh37 (hg19) VCF-style: chr2-73675935-T-G.
Other names: c.2284T>G, p.Ser762Ala (NM_015120.4); short protein forms S761A, S762A.
Identifiers: ClinVar variation 2148716 (VCV002148716.2), dbSNP rs1202823758, ClinGen allele CA347267526.
Genomic context (GRCh38, chr2:73,448,808, plus strand): 5'-ACTAAAGTTTCAGCCACTCCTGGACCAGCTGACCAGAAGACTGAGATACCAGCAGTACAG[T>G]CTAGTTCTTACTCACAAAGAGAAAAGCCTAGTATTTTGTACCCACAGGACTTAGCAGACA-3'
Protein context (NP_001365383.1, residues 751-771): DQKTEIPAVQ[Ser761Ala]SSYSQREKPS

ClinVar aggregate classification (germline): Uncertain significance (1 of 4 stars; one submission).

Conditions:
Alstrom syndrome (ALMS). Identifiers: Orphanet 64, MedGen C0268425, MONDO:0008763, OMIM 203800.

Allele frequency attached by ClinVar (database versions not stated): gnomAD 0.00001; gnomAD exomes 0.00001.
gnomAD v4.1: 4 of 1,613,992 alleles (0.00025%); highest among the groups gnomAD compares: African/African-American, 0.004%; no homozygotes.

Submission:

Labcorp Genetics (formerly Invitae), Labcorp
Classification: Uncertain significance for Alstrom syndrome. Last evaluated: 2024-04-16. Review status: criteria provided, single submitter. Criteria: Invitae Variant Classification Sherloc (09022015). Collection method: clinical testing. Allele origin: germline.
Comment: This sequence change replaces serine, which is neutral and polar, with alanine, which is neutral and non-polar, at codon 762 of the ALMS1 protein (p.Ser762Ala). This variant is present in population databases (no rsID available, gnomAD 0.007%). This variant has not been reported in the literature in individuals affected with ALMS1-related conditions. ClinVar contains an entry for this variant (Variation ID: 2148716). Experimental studies and prediction algorithms are not available or were not evaluated, and the functional significance of this variant is currently unknown. In summary, the available evidence is currently insufficient to determine the role of this variant in disease. Therefore, it has been classified as a Variant of Uncertain Significance.